The following is an entry in ClinVar:

ClinVar aggregate classification (germline): Uncertain significance (1 of 4 stars; one submission).

Allele frequency attached by ClinVar (database versions not stated): gnomAD exomes below 0.00001.

Submission:

CeGaT Center for Human Genetics Tuebingen
Classification: Uncertain significance. Last evaluated: 2023-11-01. Review status: criteria provided, single submitter. Criteria: CeGaT Center For Human Genetics Tuebingen Variant Classification Criteria Version 2. Collection method: clinical testing. Allele origin: germline. Affected: yes. Observed: 1 variant allele.
Comment: SHANK2: PM2

NM_012309.5(SHANK2):c.174dup (p.Ile59fs)

Gene: SHANK2 (SH3 and multiple ankyrin repeat domains 2; minus strand). Cytogenetic location: 11q13.4.
Variant type: Duplication.
Coding change: c.174dup on transcript NM_012309.5 (MANE Select); coding-DNA position 174, one base duplicated (G; older notation c.174dupG).
Protein change: p.Ile59fs; shifts the reading frame from isoleucine 59.
Molecular consequence: frameshift variant.
Genome position (GRCh38, 1-based): chr11:71,147,153, C duplicated on the plus strand (G on the coding strand, the reverse complement: SHANK2 is on the minus strand). VCF-style (leftmost placement, unchanged base first): chr11-71147152-T-TC. GRCh37 (hg19) VCF-style: chr11-70858198-T-TC.
Other names: short protein forms I59fs.
Identifiers: ClinVar variation 2672477 (VCV002672477.23), dbSNP rs2502380219, ClinGen allele CA2614884937.
Genomic context (GRCh38, chr11:71,147,152, plus strand): 5'-GAACCAAAGGGCAGACCACGGGGCTCACCGTCTGCTGCAGGTCATGGATGACCACGCGGA[T>TC]CACCAGCGTGTTGCCCTGGCTCTCCTCCGTCCTGGCACCGCCCGGCTTCTCCGCAGTGGC-3'